The following is an entry in ClinVar:

ClinVar aggregate classification (germline): Likely pathogenic (1 of 4 stars; one submission).

Conditions:
X-linked Alport syndrome (ATS1). Also called: NEPHROPATHY AND DEAFNESS, X-LINKED; COL4A5-Related Nephropathy. Identifiers: Orphanet 63, Orphanet 88917, MedGen C4746986, MONDO:0010520, OMIM 301050.

Submission:

Precision Medicine Center, Zhengzhou University
Classification: Likely pathogenic for X-linked Alport syndrome. Last evaluated: 2023-12-01. Review status: criteria provided, single submitter. Criteria: ACMG Guidelines, 2015. Collection method: clinical testing. Allele origin: de novo. Affected: yes.
Comment: PS2,PM2_p,PP3,PP4

NM_033380.3(COL4A5):c.276+3A>C

Gene: COL4A5 (collagen type IV alpha 5 chain; plus strand). Cytogenetic location: Xq22.3.
Variant type: single nucleotide variant.
Coding change: c.276+3A>C on transcript NM_033380.3 (MANE Select); 3 bases into the intron after coding-DNA position 276, A replaced by C.
Molecular consequence: intron variant.
Genome position (GRCh38, 1-based): chrX:108,563,929, A>C. VCF-style: chrX-108563929-A-C. GRCh37 (hg19) VCF-style: chrX-107807159-A-C.
Other names: c.276+3A>C (NM_000495.5).
Identifiers: ClinVar variation 2681737 (VCV002681737.2), dbSNP rs2524179835.